The following is an entry in ClinVar:

ClinVar aggregate classification (germline): Uncertain significance (1 of 4 stars; one submission).

Allele frequency attached by ClinVar (database versions not stated): gnomAD exomes below 0.00001.
gnomAD v4.1: 1 of 1,606,960 alleles (0.000062%); highest among the groups gnomAD compares: Non-Finnish European, 0.000085%; no homozygotes.

Submission:

Labcorp Genetics (formerly Invitae), Labcorp
Classification: Uncertain significance. Last evaluated: 2022-12-22. Review status: criteria provided, single submitter. Criteria: Invitae Variant Classification Sherloc (09022015). Collection method: clinical testing. Allele origin: germline.
Comment: In summary, the available evidence is currently insufficient to determine the role of this variant in disease. Therefore, it has been classified as a Variant of Uncertain Significance. Advanced modeling of protein sequence and biophysical properties (such as structural, functional, and spatial information, amino acid conservation, physicochemical variation, residue mobility, and thermodynamic stability) performed at Invitae indicates that this missense variant is not expected to disrupt EFEMP1 protein function. This variant has not been reported in the literature in individuals affected with EFEMP1-related conditions. This variant is not present in population databases (gnomAD no frequency). This sequence change replaces glutamine, which is neutral and polar, with lysine, which is basic and polar, at codon 325 of the EFEMP1 protein (p.Gln325Lys).

NM_001039348.3(EFEMP1):c.973C>A (p.Gln325Lys)

Gene: EFEMP1 (EGF-like fibulin extracellular matrix protein 1; minus strand). Cytogenetic location: 2p16.1.
Variant type: single nucleotide variant.
Coding change: c.973C>A on transcript NM_001039348.3 (MANE Select); coding-DNA position 973, C replaced by A.
Protein change: p.Gln325Lys; replaces glutamine 325 with lysine.
Molecular consequence: missense variant.
Genome position (GRCh38, 1-based): chr2:55,874,973, G>T on the plus strand (C>A on the coding strand, the complement: EFEMP1 is on the minus strand). VCF-style: chr2-55874973-G-T. GRCh37 (hg19) VCF-style: chr2-56102108-G-T.
Other names: c.973C>A, p.Gln325Lys (NM_001039349.3); short protein forms Q325K.
Identifiers: ClinVar variation 2823299 (VCV002823299.3), dbSNP rs2465744342, ClinGen allele CA347028608.
Genomic context (GRCh38, chr2:55,874,973, plus strand): 5'-ATACCTAACATATGAAAAAAAAAATAAACTTACCTTGACATGTTCTACTTCTCACCACTT[G>T]GTATCCCTGGGGGCACATACATGAGAATTTCCCAGGTTCATTGACACATTGATATTGACA-3'
Protein context (NP_001034437.1, residues 315-335): KFSCMCPQGY[Gln325Lys]VVRSRTCQDI